The following is an entry in ClinVar:

NM_000352.6(ABCC8):c.4147G>A (p.Gly1383Arg)

Gene: ABCC8 (ATP binding cassette subfamily C member 8; minus strand). Cytogenetic location: 11p15.1.
Variant type: single nucleotide variant.
Coding change: c.4147G>A on transcript NM_000352.6 (MANE Select); coding-DNA position 4147, G replaced by A.
Protein change: p.Gly1383Arg; replaces glycine 1383 with arginine.
Molecular consequence: missense variant. On other transcripts: non-coding transcript variant (1).
Genome position (GRCh38, 1-based): chr11:17,395,903, C>T on the plus strand (G>A on the coding strand, the complement: ABCC8 is on the minus strand). VCF-style: chr11-17395903-C-T. GRCh37 (hg19) VCF-style: chr11-17417450-C-T.
Other names: NM_000352.6(ABCC8):c.4147G>A; p.Gly1383Arg; c.4150G>A, p.Gly1384Arg (NM_001287174.3); c.4213G>A, p.Gly1405Arg (NM_001351295.2); c.4147G>A, p.Gly1383Arg (NM_001351296.2); c.4144G>A, p.Gly1382Arg (NM_001351297.2); short protein forms G1382R, G1383R, G1384R, G1405R.
Identifiers: ClinVar variation 1338249 (VCV001338249.6), dbSNP rs748233295, ClinGen allele CA5902549.
Genomic context (GRCh38, chr11:17,395,903, plus strand): 5'-ACAACTCACCTTCGAACGTGTCCACCATGCGGAAGAAGGCAAGAGAGAAGGAGGACTTCC[C>T]ACTGCCGGTGCGGCCGCAGATCCCGATCTGGAAAGAGAGAAGCAGGCACCGCCACTGGGA-3'
Protein context (NP_000343.2, residues 1373-1393): KIGICGRTGS[Gly1383Arg]KSSFSLAFFR

ClinVar aggregate classification (germline): Likely pathogenic. Review status: criteria provided, multiple submitters, no conflicts (2 of 4 stars). 3 submissions from 3 submitters: Likely pathogenic (3). Last evaluated 2026-01-26.

Conditions:
Hyperinsulinemic hypoglycemia, familial, 1 (HHF1). Also called: Persistent hyperinsulinemic hypoglycemia of infancy; HYPERINSULINISM, FAMILIAL, WITH PANCREATIC NESIDIOBLASTOSIS; HYPOGLYCEMIA, HYPERINSULINEMIC, OF INFANCY; NESIDIOBLASTOSIS OF PANCREAS; Persistent Hyperinsulinemia Hypoglycemia of Infancy. Identifiers: Orphanet 276575, Orphanet 276598, MedGen C2931832, MONDO:0009734, OMIM 256450.

Allele frequency attached by ClinVar (database versions not stated): gnomAD exomes below 0.00001; TOPMed below 0.00001; gnomAD 0.00001; ExAC 0.00003.
gnomAD v4.1: 3 of 1,589,810 alleles (0.00019%); highest among the groups gnomAD compares: African/African-American, 0.004%; no homozygotes.

Submissions (3):

Myriad Genetics, Inc.
Classification: Likely pathogenic for Hyperinsulinemic hypoglycemia, familial, 1. Last evaluated: 2026-01-26. Review status: criteria provided, single submitter. Criteria: Myriad Autosomal Dominant, Autosomal Recessive and X-Linked Classification Criteria (2023). Collection method: clinical testing. Allele origin: unknown.
Comment: NM_000352.3(ABCC8):c.4147G>A(G1383R) is a missense variant classified as likely pathogenic in the context of familial hyperinsulinism, ABCC8-related. G1383R has been observed in cases with relevant disease (PMID: 23275527, 41022322, 20685672). Relevant functional assessments of this variant are available in the literature (PMID: 41022322). G1383R has been observed in referenced population frequency databases. In summary, NM_000352.3(ABCC8):c.4147G>A(G1383R) is a missense variant that has functional support for pathogenicity and has been observed more frequently in cases with the relevant disease than in healthy populations. Please note: this variant was assessed in the context of healthy population screening.

Broad Center for Mendelian Genomics, Broad Institute of MIT and Harvard
Classification: Likely pathogenic for Hyperinsulinemic hypoglycemia, familial, 1. Last evaluated: 2023-08-16. Review status: criteria provided, single submitter. Criteria: ACMG Guidelines, 2015. Collection method: curation. Allele origin: germline. Inheritance: Autosomal recessive inheritance.
Comment: The p.Gly1383Arg variant in ABCC8 has been reported in 2 individuals with hyperinsulinemic hypoglycemia (PMID: 20685672, 23275527), and has been identified in 0.008 (1/13146) of African/African American chromosomes by the Genome Aggregation Database (gnomAD; dbSNP ID: rs748233295). Although this variant has been seen in the general population in a heterozygous state, its frequency is low enough to be consistent with a recessive carrier frequency. This variant has also been reported in ClinVar (Variation ID: 1338249) and has been interpreted as likely pathogenic by Genetic Services Laboratory (University of Chicago). Of the 2 affected individuals, 1 was a compound heterozygote that carried a reported pathogenic variant in unknown phase, which increases the likelihood that the p.Gly1383Arg variant is pathogenic (Variation ID: 370163; PMID: 23275527). Computational prediction tools and conservation analyses suggest that this variant may impact the protein, though this information is not predictive enough to determine pathogenicity. Two additional likely pathogenic variants, resulting in a different amino acid change at the same position, (p.Gly1383Ala and p.Gly1383Glu), have been reported in association with disease in ClinVar, supporting that a change at this position may not be tolerated (Variation ID: 2137010). In summary, although additional studies are required to fully establish its clinical significance, this variant is likely pathogenic for autosomal recessive hyperinsulinemic hypoglycemia. ACMG/AMP Criteria applied: PP3, PM2, PM3_supporting, PM5 (Richards 2015).

Genetic Services Laboratory, University of Chicago
Classification: Likely pathogenic. Last evaluated: 2017-07-16. Review status: criteria provided, single submitter. Criteria: ACMG Guidelines, 2015. Collection method: clinical testing. Allele origin: germline. Affected: yes.

Literature cited by the submitters: PubMed 20685672 (cited by Myriad Genetics, Inc.); PubMed 23275527 (cited by Myriad Genetics, Inc.); PubMed 41022322 (cited by Myriad Genetics, Inc.).